The following is an entry in ClinVar:

NM_020884.7(MYH7B):c.1486_1487del (p.Met496fs)

Gene: MYH7B (myosin heavy chain 7B; plus strand). Cytogenetic location: 20q11.22.
Variant type: Deletion.
Coding change: c.1486_1487del on transcript NM_020884.7 (MANE Select); coding-DNA positions 1486 to 1487, 2 bases deleted (AT; older notation c.1486_1487delAT).
Protein change: p.Met496fs; shifts the reading frame from methionine 496.
Molecular consequence: frameshift variant.
Genome position (GRCh38, 1-based): chr20:34,988,161-34,988,162, AT deleted. VCF-style (leftmost placement, unchanged base first): chr20-34988160-CAT-C. GRCh37 (hg19) VCF-style: chr20-33575963-CAT-C.
Other names: c.1612_1613del (NM_020884.5); short protein forms M496fs.
Identifiers: ClinVar variation 1477608 (VCV001477608.7), dbSNP rs571047145, ClinGen allele CA9826954.

ClinVar aggregate classification (germline): Uncertain significance. Review status: criteria provided, multiple submitters, no conflicts (2 of 4 stars). 2 submissions from 2 submitters: Uncertain significance (2). Last evaluated 2025-01-09.

Allele frequency attached by ClinVar (database versions not stated): 1000 Genomes Project 0.00080; ExAC 0.00083; 1000 Genomes Project 30x 0.00094; gnomAD exomes 0.00098 and 0.00156; gnomAD 0.00123 and 0.00125; ESP Exome Variant Server 0.00136; TOPMed 0.00163.

Submissions (2):

Labcorp Genetics (formerly Invitae), Labcorp
Classification: Uncertain significance. Last evaluated: 2025-01-09. Review status: criteria provided, single submitter. Criteria: Invitae Variant Classification Sherloc (09022015). Collection method: clinical testing. Allele origin: germline.
Comment: This sequence change creates a premature translational stop signal (p.Met538Valfs*23) in the MYH7B gene. It is expected to result in an absent or disrupted protein product. However, the current clinical and genetic evidence is not sufficient to establish whether loss-of-function variants in MYH7B cause disease. This variant is present in population databases (rs571047145, gnomAD 0.1%), and has an allele count higher than expected for a pathogenic variant. This variant has not been reported in the literature in individuals affected with MYH7B-related conditions. ClinVar contains an entry for this variant (Variation ID: 1477608). In summary, the available evidence is currently insufficient to determine the role of this variant in disease. Therefore, it has been classified as a Variant of Uncertain Significance.

Revvity Omics, Revvity
Classification: Uncertain significance. Last evaluated: 2021-12-28. Review status: criteria provided, single submitter. Criteria: ACMG Guidelines, 2015. Collection method: clinical testing. Allele origin: germline.